The following is an entry in ClinVar:

ClinVar aggregate classification (germline): Uncertain significance (1 of 4 stars; one submission).

Allele frequency attached by ClinVar (database versions not stated): ExAC 0.00001.

Submission:

Labcorp Genetics (formerly Invitae), Labcorp
Classification: Uncertain significance. Last evaluated: 2025-03-17. Review status: criteria provided, single submitter. Criteria: Invitae Variant Classification Sherloc (09022015). Collection method: clinical testing. Allele origin: germline.
Comment: This sequence change replaces arginine, which is basic and polar, with proline, which is neutral and non-polar, at codon 193 of the GNAT1 protein (p.Arg193Pro). This variant also falls at the last nucleotide of exon 5, which is part of the consensus splice site for this exon. This variant is not present in population databases (gnomAD no frequency). This variant has not been reported in the literature in individuals affected with GNAT1-related conditions. ClinVar contains an entry for this variant (Variation ID: 2785989). An algorithm developed to predict the effect of missense changes on protein structure and function (PolyPhen-2) suggests that this variant is likely to be disruptive. Variants that disrupt the consensus splice site are a relatively common cause of aberrant splicing (PMID: 17576681, 9536098). Algorithms developed to predict the effect of sequence changes on RNA splicing suggest that this variant may disrupt the consensus splice site. In summary, the available evidence is currently insufficient to determine the role of this variant in disease. Therefore, it has been classified as a Variant of Uncertain Significance.

Literature cited by the submitters: PubMed 17576681; PubMed 9536098.

NM_144499.3(GNAT1):c.578G>C (p.Arg193Pro)

Gene: GNAT1 (G protein subunit alpha transducin 1; plus strand). Cytogenetic location: 3p21.31.
Variant type: single nucleotide variant.
Coding change: c.578G>C on transcript NM_144499.3 (MANE Select); coding-DNA position 578, G replaced by C.
Protein change: p.Arg193Pro; replaces arginine 193 with proline.
Molecular consequence: missense variant.
Genome position (GRCh38, 1-based): chr3:50,193,881, G>C. VCF-style: chr3-50193881-G-C. GRCh37 (hg19) VCF-style: chr3-50231314-G-C.
Other names: c.578G>C, p.Arg193Pro (NM_000172.4); short protein forms R193P.
Identifiers: ClinVar variation 2785989 (VCV002785989.3), dbSNP rs755156826, ClinGen allele CA2412634.